The following is an entry in ClinVar:

ClinVar aggregate classification (germline): Uncertain significance (1 of 4 stars; one submission).

Conditions:
Hajdu-Cheney syndrome (HJCYS). Also called: ACROOSTEOLYSIS WITH OSTEOPOROSIS AND CHANGES IN SKULL AND MANDIBLE; SERPENTINE FIBULA-POLYCYSTIC KIDNEY SYNDROME; Acroosteolysis dominant type. Identifiers: Orphanet 955, MedGen C0917715, MONDO:0007057, OMIM 102500.

Allele frequency attached by ClinVar (database versions not stated): gnomAD exomes below 0.00001.
gnomAD v4.1: 1 of 1,612,440 alleles (0.000062%); highest among the groups gnomAD compares: Non-Finnish European, 0.000085%; no homozygotes.

Submission:

Labcorp Genetics (formerly Invitae), Labcorp
Classification: Uncertain significance for Hajdu-Cheney syndrome. Last evaluated: 2023-09-08. Review status: criteria provided, single submitter. Criteria: Invitae Variant Classification Sherloc (09022015). Collection method: clinical testing. Allele origin: germline.
Comment: This variant has not been reported in the literature in individuals affected with NOTCH2-related conditions. This variant is not present in population databases (gnomAD no frequency). This sequence change replaces histidine, which is basic and polar, with arginine, which is basic and polar, at codon 656 of the NOTCH2 protein (p.His656Arg). Advanced modeling of protein sequence and biophysical properties (such as structural, functional, and spatial information, amino acid conservation, physicochemical variation, residue mobility, and thermodynamic stability) performed at Invitae indicates that this missense variant is not expected to disrupt NOTCH2 protein function. In summary, the available evidence is currently insufficient to determine the role of this variant in disease. Therefore, it has been classified as a Variant of Uncertain Significance.

NM_024408.4(NOTCH2):c.1967A>G (p.His656Arg)

Gene: NOTCH2 (notch receptor 2; minus strand). Cytogenetic location: 1p12.
Variant type: single nucleotide variant.
Coding change: c.1967A>G on transcript NM_024408.4 (MANE Select); coding-DNA position 1967, A replaced by G.
Protein change: p.His656Arg; replaces histidine 656 with arginine.
Molecular consequence: missense variant.
Genome position (GRCh38, 1-based): chr1:119,959,451, T>C on the plus strand (A>G on the coding strand, the complement: NOTCH2 is on the minus strand). VCF-style: chr1-119959451-T-C. GRCh37 (hg19) VCF-style: chr1-120502074-T-C.
Other names: c.1967A>G, p.His656Arg (NM_001200001.2); short protein forms H656R.
Identifiers: ClinVar variation 3001215 (VCV003001215.3), dbSNP rs2526274120, ClinGen allele CA341869516.